The following is an entry in ClinVar:

NM_001369.3(DNAH5):c.1506_1507insAAAGATTCCTTATATT (p.Gly503fs)

Gene: DNAH5 (dynein axonemal heavy chain 5; minus strand). Cytogenetic location: 5p15.2.
Variant type: Insertion.
Coding change: c.1506_1507insAAAGATTCCTTATATT on transcript NM_001369.3 (MANE Select); coding-DNA positions 1506 to 1507, AAAGATTCCTTATATT inserted.
Protein change: p.Gly503fs; shifts the reading frame from glycine 503.
Molecular consequence: frameshift variant.
Genome position: GRCh38 VCF-style: chr5-13913772-C-CAATATAAGGAATCTTT. GRCh37 (hg19) VCF-style: chr5-13913881-C-CAATATAAGGAATCTTT.
Other names: short protein forms G503fs.
Identifiers: ClinVar variation 5010549 (VCV005010549.1).

ClinVar aggregate classification (germline): Pathogenic (1 of 4 stars; one submission).

Conditions:
Primary ciliary dyskinesia 3. Identifiers: Orphanet 244, MedGen C1837618, MONDO:0012085, OMIM 608644.

Submission:

Myriad Genetics, Inc.
Classification: Pathogenic for Primary ciliary dyskinesia 3. Last evaluated: 2024-05-14. Review status: criteria provided, single submitter. Criteria: Myriad Autosomal Dominant, Autosomal Recessive and X-Linked Classification Criteria (2023). Collection method: clinical testing. Allele origin: unknown.
Comment: NM_001369.2(DNAH5):c.1506_1507ins16(G503Kfs*13) is expected to be pathogenic in the context of primary ciliary dyskinesia, DNAH5-related. This variant is predicted to lead to an abnormal or absent protein product due to the creation of a premature termination codon in DNAH5, a gene where loss-of-function variants are known to be pathogenic. Please note: this variant was assessed in the context of healthy population screening.